The following is an entry in ClinVar:

ClinVar aggregate classification (germline): Likely benign (0 of 4 stars; one submission).

Conditions:
RASGEF1B-related disorder. Also called: RASGEF1B-related condition.

Allele frequency attached by ClinVar (database versions not stated): 1000 Genomes Project 30x 0.00016; 1000 Genomes Project 0.00020; TOPMed 0.00042; gnomAD 0.00048; gnomAD exomes 0.00048; ESP Exome Variant Server 0.00054; ExAC 0.00069.

Submission:

PreventionGenetics, part of Exact Sciences
Classification: Likely benign for RASGEF1B-related condition. Last evaluated: 2019-02-27. Review status: no assertion criteria provided. Collection method: clinical testing. Allele origin: germline.
Comment: This variant is classified as likely benign based on ACMG/AMP sequence variant interpretation guidelines (Richards et al. 2015 PMID: 25741868, with internal and published modifications).

NM_152545.3(RASGEF1B):c.1037A>G (p.Tyr346Cys)

Gene: RASGEF1B (RasGEF domain family member 1B; minus strand). Cytogenetic location: 4q21.21.
Variant type: single nucleotide variant.
Coding change: c.1037A>G on transcript NM_152545.3 (MANE Select); coding-DNA position 1037, A replaced by G.
Protein change: p.Tyr346Cys; replaces tyrosine 346 with cysteine.
Molecular consequence: missense variant.
Genome position (GRCh38, 1-based): chr4:81,440,901, T>C on the plus strand (A>G on the coding strand, the complement: RASGEF1B is on the minus strand). VCF-style: chr4-81440901-T-C. GRCh37 (hg19) VCF-style: chr4-82362055-T-C.
Other names: c.1034A>G, p.Tyr345Cys (NM_001300735.2); c.911A>G, p.Tyr304Cys (NM_001300736.2); short protein forms Y304C, Y345C, Y346C.
Identifiers: ClinVar variation 3040761 (VCV003040761.2), dbSNP rs146313100, ClinGen allele CA2984165.
Genomic context (GRCh38, chr4:81,440,901, plus strand): 5'-CTACTACTATGAGCAGTTAAAGACCTTTGTGCTGCCCCACGAAGAGCTGTTCGATAATTA[T>C]AGAAATTGCTTGAAGGGTCCATCTGATGCTATAGATAAAAGAGAGAAGAATATTAACTAT-3'
Protein context (NP_689758.1, residues 336-356): EHQMDPSSNF[Tyr346Cys]NYRTALRGAA